The following is an entry in ClinVar:

ClinVar aggregate classification (germline): Benign. Review status: criteria provided, multiple submitters, no conflicts (2 of 4 stars). 7 submissions from 7 submitters: Benign (7). Last evaluated 2026-02-04.

Conditions:
Cardiovascular phenotype. Identifiers: MedGen CN230736.
Brugada syndrome 6 (BRGDA6). Identifiers: Orphanet 130, MedGen C2751089, MONDO:0013145, OMIM 613119.

Allele frequency attached by ClinVar (database versions not stated): TOPMed 0.11148; ESP Exome Variant Server 0.11412; gnomAD exomes 0.11985 and 0.13154; gnomAD 0.12227 and 0.12467; ExAC 0.13359; 1000 Genomes Project 30x 0.13835; 1000 Genomes Project 0.14117.
gnomAD v4.1: 194,464 of 1,614,094 alleles (12%); highest among the groups gnomAD compares: South Asian, 21%; 12,760 homozygotes.

Submissions (7):

Labcorp Genetics (formerly Invitae), Labcorp
Classification: Benign for Brugada syndrome 6. Last evaluated: 2026-02-04. Review status: criteria provided, single submitter. Criteria: Invitae Variant Classification Sherloc (09022015). Collection method: clinical testing. Allele origin: germline.

ARUP Laboratories, Molecular Genetics and Genomics, ARUP Laboratories
Classification: Benign for Brugada syndrome 6. Last evaluated: 2023-11-29. Review status: criteria provided, single submitter. Criteria: ARUP Molecular Germline Variant Investigation Process 2024. Collection method: clinical testing. Allele origin: germline.

Women's Health and Genetics/Laboratory Corporation of America, LabCorp
Classification: Benign. Last evaluated: 2023-04-10. Review status: criteria provided, single submitter. Criteria: LabCorp Variant Classification Summary - May 2015. Collection method: clinical testing. Allele origin: germline.

Ambry Genetics
Classification: Benign for Cardiovascular phenotype. Last evaluated: 2015-05-14. Review status: criteria provided, single submitter. Criteria: Ambry Variant Classification Scheme 2023. Collection method: clinical testing. Allele origin: germline.

GeneDx
Classification: Benign. Last evaluated: 2015-03-03. Review status: criteria provided, single submitter. Criteria: GeneDx Variant Classification Process June 2021. Collection method: clinical testing. Allele origin: germline. Affected: yes.
Comment: This variant is associated with the following publications: (PMID: 16374062)

Breakthrough Genomics
Classification: Benign. Review status: criteria provided, single submitter. Criteria: ACMG Guidelines, 2015. Collection method: not provided. Allele origin: germline. Inheritance: Unknown mechanism. Affected: yes.

PreventionGenetics, part of Exact Sciences
Classification: Benign. Review status: criteria provided, single submitter. Criteria: ACMG Guidelines, 2015. Collection method: clinical testing. Allele origin: germline.

NM_005472.5(KCNE3):c.198T>C (p.Phe66=)

Gene: KCNE3 (potassium voltage-gated channel subfamily E regulatory subunit 3; minus strand). Cytogenetic location: 11q13.4.
Variant type: single nucleotide variant.
Coding change: c.198T>C on transcript NM_005472.5 (MANE Select); coding-DNA position 198, T replaced by C.
Protein change: p.Phe66=; no amino-acid change (phenylalanine 66 retained).
Molecular consequence: synonymous variant.
Genome position (GRCh38, 1-based): chr11:74,457,366, A>G on the plus strand (T>C on the coding strand, the complement: KCNE3 is on the minus strand). VCF-style: chr11-74457366-A-G. GRCh37 (hg19) VCF-style: chr11-74168411-A-G.
Identifiers: ClinVar variation 259778 (VCV000259778.29), dbSNP rs2270676, ClinGen allele CA6184832.